The following is an entry in ClinVar:

ClinVar aggregate classification (germline): Likely benign (1 of 4 stars; one submission).

Conditions:
Polycystic liver disease 2 (PCLD2). Also called: Polycystic liver disease 2 with or without kidney cysts. Identifiers: Orphanet 2924, MedGen C4310769, MONDO:0014860, OMIM 617004.

Allele frequency attached by ClinVar (database versions not stated): gnomAD 0.00015 and 0.00017; TOPMed 0.00010; 1000 Genomes Project 0.00100.
gnomAD v4.1: 26 of 152,186 alleles (0.017%); highest among the groups gnomAD compares: East Asian, 0.31%; no homozygotes.

Submission:

Illumina Laboratory Services, Illumina
Classification: Likely benign for Polycystic liver disease 2. Last evaluated: 2018-01-13. Review status: criteria provided, single submitter. Criteria: ICSL Variant Classification Criteria 13 December 2019. Collection method: clinical testing. Allele origin: germline.
Comment: This variant was observed in the ICSL laboratory as part of a predisposition screen in an ostensibly healthy population. It had not been previously curated by ICSL or reported in the Human Gene Mutation Database (HGMD: prior to June 1st, 2018), and was therefore a candidate for classification through an automated scoring system. Utilizing variant allele frequency, disease prevalence and penetrance estimates, and inheritance mode, an automated score was calculated to assess if this variant is too frequent to cause the disease. Based on the score and internal cut-off values, a variant classified as likely benign is not then subjected to further curation. The score for this variant resulted in a classification of likely benign for this disease.

NM_007214.5(SEC63):c.*3469T>G

Gene: SEC63 (SEC63 homolog, protein translocation regulator; minus strand). Cytogenetic location: 6q21.
Variant type: single nucleotide variant.
Coding change: c.*3469T>G on transcript NM_007214.5 (MANE Select); 3469 bases downstream of the stop codon, T replaced by G.
Molecular consequence: 3 prime UTR variant.
Genome position (GRCh38, 1-based): chr6:107,868,235, A>C on the plus strand (T>G on the coding strand, the complement: SEC63 is on the minus strand). VCF-style: chr6-107868235-A-C. GRCh37 (hg19) VCF-style: chr6-108189439-A-C.
Identifiers: ClinVar variation 354822 (VCV000354822.5), dbSNP rs540628373, ClinGen allele CA10621134.